The following is an entry in ClinVar:

ClinVar aggregate classification (germline): Uncertain significance (1 of 4 stars; one submission).

Allele frequency attached by ClinVar (database versions not stated): gnomAD exomes below 0.00001; TOPMed below 0.00001; gnomAD 0.00001.

Submission:

Labcorp Genetics (formerly Invitae), Labcorp
Classification: Uncertain significance. Last evaluated: 2023-07-22. Review status: criteria provided, single submitter. Criteria: Invitae Variant Classification Sherloc (09022015). Collection method: clinical testing. Allele origin: germline.
Comment: This sequence change replaces isoleucine, which is neutral and non-polar, with threonine, which is neutral and polar, at codon 239 of the PACS2 protein (p.Ile239Thr). This variant is not present in population databases (gnomAD no frequency). This variant has not been reported in the literature in individuals affected with PACS2-related conditions. An algorithm developed to predict the effect of missense changes on protein structure and function (PolyPhen-2) suggests that this variant is likely to be tolerated. In summary, the available evidence is currently insufficient to determine the role of this variant in disease. Therefore, it has been classified as a Variant of Uncertain Significance.

NM_001100913.3(PACS2):c.716T>C (p.Ile239Thr)

Gene: PACS2 (phosphofurin acidic cluster sorting protein 2; plus strand). Cytogenetic location: 14q32.33.
Variant type: single nucleotide variant.
Coding change: c.716T>C on transcript NM_001100913.3 (MANE Select); coding-DNA position 716, T replaced by C.
Protein change: p.Ile239Thr; replaces isoleucine 239 with threonine.
Molecular consequence: missense variant.
Genome position (GRCh38, 1-based): chr14:105,368,514, T>C. VCF-style: chr14-105368514-T-C. GRCh37 (hg19) VCF-style: chr14-105834851-T-C.
Other names: c.515T>C, p.Ile172Thr (NM_001243127.3); c.716T>C, p.Ile239Thr (NM_015197.4); short protein forms I172T, I239T.
Identifiers: ClinVar variation 2958248 (VCV002958248.3), dbSNP rs1399881176, ClinGen allele CA391175723.